The following is an entry in ClinVar:

ClinVar aggregate classification (germline): Uncertain significance (1 of 4 stars; one submission).

Conditions:
Hereditary factor XI deficiency disease. Also called: Congenital factor XI deficiency; PLASMA THROMBOPLASTIN ANTECEDENT DEFICIENCY; PTA DEFICIENCY; ROSENTHAL SYNDROME. Identifiers: Orphanet 329, MedGen C0015523, MeSH D005173, MONDO:0012897, OMIM 612416.

Allele frequency attached by ClinVar (database versions not stated): gnomAD exomes below 0.00001.
gnomAD v4.1: 1 of 1,614,150 alleles (0.000062%); highest among the groups gnomAD compares: Non-Finnish European, 0.000085%; no homozygotes.

Submission:

ISTH-SSC Genomics in Thrombosis and Hemostasis, KU Leuven, Center for Molecular and Vascular Biology
Classification: Uncertain significance for Hereditary factor XI deficiency disease. Review status: criteria provided, single submitter. Criteria: ACMG Guidelines, 2015. Collection method: clinical testing. Allele origin: germline. Affected: yes. Observed: 1 heterozygote.
Comment: Submitted to GoldVariant by Kathleen Freson, Center for Molecular and Vascular Biology, Leuven, Belgium

NM_000128.4(F11):c.89T>C (p.Phe30Ser)

Gene: F11 (coagulation factor XI; plus strand). Cytogenetic location: 4q35.2.
Variant type: single nucleotide variant.
Coding change: c.89T>C on transcript NM_000128.4 (MANE Select); coding-DNA position 89, T replaced by C.
Protein change: p.Phe30Ser; replaces phenylalanine 30 with serine.
Molecular consequence: missense variant.
Genome position (GRCh38, 1-based): chr4:186,271,642, T>C. VCF-style: chr4-186271642-T-C. GRCh37 (hg19) VCF-style: chr4-187192796-T-C.
Other names: c.89T>C, p.Phe30Ser (NM_001354804.2); short protein forms F30S.
Identifiers: ClinVar variation 1703828 (VCV001703828.1), dbSNP rs932824943, ClinGen allele CA358957865.